The following is an entry in ClinVar:

NM_001080449.3(DNA2):c.68C>T (p.Ala23Val)

Gene: DNA2 (DNA replication helicase/nuclease 2; minus strand). Cytogenetic location: 10q21.3.
Variant type: single nucleotide variant.
Coding change: c.68C>T on transcript NM_001080449.3 (MANE Select); coding-DNA position 68, C replaced by T.
Protein change: p.Ala23Val; replaces alanine 23 with valine.
Molecular consequence: missense variant. On other transcripts: non-coding transcript variant (1).
Genome position (GRCh38, 1-based): chr10:68,471,797, G>A on the plus strand (C>T on the coding strand, the complement: DNA2 is on the minus strand). VCF-style: chr10-68471797-G-A. GRCh37 (hg19) VCF-style: chr10-70231554-G-A.
Other names: short protein forms A23V.
Identifiers: ClinVar variation 702437 (VCV000702437.58), dbSNP rs200467869, ClinGen allele CA5525411.

ClinVar aggregate classification (germline): Conflicting classifications of pathogenicity. Review status: criteria provided, conflicting classifications (1 of 4 stars). 4 submissions from 4 submitters: Uncertain significance (3); Likely benign (1). Last evaluated 2026-01-27.

Allele frequency attached by ClinVar (database versions not stated): gnomAD 0.00070 and 0.00071; gnomAD exomes 0.00077; ExAC 0.00084; TOPMed 0.00092; ESP Exome Variant Server 0.00099.
gnomAD v4.1: 1,981 of 1,599,536 alleles (0.12%); highest among the groups gnomAD compares: Non-Finnish European, 0.16%; 5 homozygotes.

Submissions (4):

Labcorp Genetics (formerly Invitae), Labcorp
Classification: Likely benign. Last evaluated: 2026-01-27. Review status: criteria provided, single submitter. Criteria: Invitae Variant Classification Sherloc (09022015). Collection method: clinical testing. Allele origin: germline.

GeneDx
Classification: Uncertain significance. Last evaluated: 2025-02-24. Review status: criteria provided, single submitter. Criteria: GeneDx Variant Classification Process June 2021. Collection method: clinical testing. Allele origin: germline. Affected: yes.
Comment: Has not been previously published as pathogenic or benign to our knowledge; In silico analysis indicates that this missense variant does not alter protein structure/function

CeGaT Center for Human Genetics Tuebingen
Classification: Uncertain significance. Last evaluated: 2020-04-01. Review status: criteria provided, single submitter. Criteria: CeGaT Center For Human Genetics Tuebingen Variant Classification Criteria Version 2. Collection method: clinical testing. Allele origin: germline. Affected: yes. Observed: 2 variant alleles.

Genetic Services Laboratory, University of Chicago
Classification: Uncertain significance. Last evaluated: 2019-07-09. Review status: criteria provided, single submitter. Criteria: ACMG Guidelines, 2015. Collection method: clinical testing. Allele origin: germline. Affected: no.